The following is an entry in ClinVar:

NM_017777.4(MKS1):c.1095+1G>C

Gene: MKS1 (MKS transition zone complex subunit 1; minus strand). Cytogenetic location: 17q22.
Variant type: single nucleotide variant.
Coding change: c.1095+1G>C on transcript NM_017777.4 (MANE Select); the canonical splice donor site of the intron after coding-DNA position 1095, G replaced by C.
Molecular consequence: splice donor variant.
Genome position (GRCh38, 1-based): chr17:58,208,512, C>G on the plus strand (G>C on the coding strand, the complement: MKS1 is on the minus strand). VCF-style: chr17-58208512-C-G. GRCh37 (hg19) VCF-style: chr17-56285873-C-G.
Other names: c.486+1G>C (NM_001321268.2); c.1095+1G>C (NM_001330397.2, NM_001321269.2, NM_001411113.1).
Identifiers: ClinVar variation 4815907 (VCV004815907.2).

ClinVar aggregate classification (germline): Likely pathogenic. Review status: criteria provided, multiple submitters, no conflicts (2 of 4 stars). 2 submissions from 2 submitters: Likely pathogenic (2). Last evaluated 2026-06-15.

Conditions:
MKS1-related disorder. Also called: MKS1-related disorders; MKS1-related condition. Identifiers: MedGen CN239382.
Meckel syndrome, type 1 (MKS1). Also called: MECKEL-GRUBER SYNDROME, TYPE 1. Identifiers: Orphanet 564, MedGen C3714506, MONDO:0009571, OMIM 249000.

gnomAD v4.1: 5 of 1,613,962 alleles (0.00031%); highest among the groups gnomAD compares: African/African-American, 0.0013%; no homozygotes.

Submissions (2):

PreventionGenetics, part of Exact Sciences
Classification: Likely pathogenic for MKS1-related condition. Last evaluated: 2026-06-15. Review status: criteria provided, single submitter. Criteria: ACMG Guidelines, 2015. Collection method: clinical testing. Allele origin: germline.
Comment: The MKS1 c.1095+1G>C variant is predicted to disrupt the GT donor site and interfere with normal splicing. To our knowledge, this variant has not been reported in the literature or in a large population database (gnomAD), indicating this variant is rare. Variants that disrupt the consensus splice donor site in MKS1 are expected to be pathogenic. This variant is interpreted as likely pathogenic.

Natera, Inc.
Classification: Likely pathogenic for Meckel syndrome type 1. Last evaluated: 2025-10-14. Review status: criteria provided, single submitter. Criteria: Natera Variant Classification Schema (03/2026). Collection method: clinical testing. Allele origin: germline.
Comment: The c.1095+1G>C variant in MKS1 is a canonical splice donor site variant predicted to affect pre-mRNA splicing, which may result in an abnormal transcript and altered protein product. This variant is expected to result in nonsense mediated decay, truncation, or a dysfunctional protein product. This variant is rare in the general population with a frequency below the threshold expected for the associated phenotype(s). Given the available evidence, this variant is classified as Likely Pathogenic.